The following is an entry in ClinVar:

NM_014363.6(SACS):c.7147del (p.Arg2383fs)

Gene: SACS (sacsin molecular chaperone; minus strand). Cytogenetic location: 13q12.12.
Variant type: Deletion.
Coding change: c.7147del on transcript NM_014363.6 (MANE Select); coding-DNA position 7147, one base deleted (C; older notation c.7147delC).
Protein change: p.Arg2383fs; shifts the reading frame from arginine 2383.
Molecular consequence: frameshift variant.
Genome position (GRCh38, 1-based): chr13:23,336,729, G deleted on the plus strand (C on the coding strand, the reverse complement: SACS is on the minus strand); the first of 2 consecutive G bases (chr13:23,336,729-23,336,730); deleting either gives the same sequence. VCF-style (leftmost placement, unchanged base first): chr13-23336728-CG-C. GRCh37 (hg19) VCF-style: chr13-23910867-CG-C.
Other names: c.6706del, p.Arg2236fs (NM_001278055.2); short protein forms R2383fs, R2236fs.
Identifiers: ClinVar variation 953585 (VCV000953585.10), dbSNP rs1868641702, ClinGen allele CA1139663028.

ClinVar aggregate classification (germline): Pathogenic. Review status: criteria provided, multiple submitters, no conflicts (2 of 4 stars). 2 submissions from 2 submitters: Pathogenic (2). Last evaluated 2026-08-18.

Conditions:
Charlevoix-Saguenay spastic ataxia (SACS). Also called: Spastic ataxia of Charlevoix-Saguenay; SPASTIC ATAXIA 6, AUTOSOMAL RECESSIVE; AUTOSOMAL RECESSIVE SPASTIC ATAXIA OF CHARLEVOIX-SAGUENAY. Identifiers: Orphanet 98, MedGen C1849140, MONDO:0010041, OMIM 270550.
Spastic paraplegia. Identifiers: MedGen C0037772, HP:0001258.

Submissions (2):

Myriad Genetics, Inc.
Classification: Pathogenic for Charlevoix-Saguenay spastic ataxia. Last evaluated: 2026-08-18. Review status: criteria provided, single submitter. Criteria: Myriad Autosomal Dominant, Autosomal Recessive and X-Linked Classification Criteria (2023). Collection method: clinical testing. Allele origin: unknown.
Comment: NM_014363.4(SACS):c.7147delC(R2383Afs*9) is a frameshift variant classified as pathogenic in the context of autosomal recessive spastic ataxia of Charlevoix-Saguenay. R2383Afs*9 has not been observed in cases with relevant disease. Relevant functional assessments of this variant are not available in the literature. R2383Afs*9 has not been observed in referenced population frequency databases. In summary, NM_014363.4(SACS):c.7147delC(R2383Afs*9) is a frameshift variant in a gene where loss of function is a known mechanism of disease and is predicted to disrupt protein function. Please note: this variant was assessed in the context of healthy population screening.

Labcorp Genetics (formerly Invitae), Labcorp
Classification: Pathogenic for Spastic paraplegia. Last evaluated: 2019-10-17. Review status: criteria provided, single submitter. Criteria: Invitae Variant Classification Sherloc (09022015). Collection method: clinical testing. Allele origin: germline.
Comment: This sequence change results in a premature translational stop signal in the SACS gene (p.Arg2383Alafs*9). While this is not anticipated to result in nonsense mediated decay, it is expected to disrupt the last 2197 amino acids of the SACS protein. This variant is not present in population databases (ExAC no frequency). This variant has not been reported in the literature in individuals with SACS-related conditions. This variant disrupts the C-terminus of the SACS protein. Other variant(s) that disrupt this region (p.Gln4054*) have been determined to be pathogenic (PMID: 18465152, 27288452). This suggests that variants that disrupt this region of the protein are likely to be causative of disease. For these reasons, this variant has been classified as Pathogenic.

Literature cited by the submitters: PubMed 18465152 (cited by Labcorp Genetics (formerly Invitae), Labcorp); PubMed 27288452 (cited by Labcorp Genetics (formerly Invitae), Labcorp).